The following is an entry in ClinVar:

ClinVar aggregate classification (germline): Uncertain significance (1 of 4 stars; one submission).

Conditions:
Nephronophthisis. Also called: Juvenile Nephronophthisis. Identifiers: Orphanet 655, MedGen C0687120, MONDO:0019005, HP:0000090.

Submission:

Labcorp Genetics (formerly Invitae), Labcorp
Classification: Uncertain significance for Nephronophthisis. Last evaluated: 2022-01-06. Review status: criteria provided, single submitter. Criteria: Invitae Variant Classification Sherloc (09022015). Collection method: clinical testing. Allele origin: germline.
Comment: This variant is not present in population databases (gnomAD no frequency). This sequence change replaces aspartic acid, which is acidic and polar, with glycine, which is neutral and non-polar, at codon 212 of the IQCB1 protein (p.Asp212Gly). In summary, the available evidence is currently insufficient to determine the role of this variant in disease. Therefore, it has been classified as a Variant of Uncertain Significance. Algorithms developed to predict the effect of sequence changes on RNA splicing suggest that this variant may create or strengthen a splice site. Algorithms developed to predict the effect of missense changes on protein structure and function are either unavailable or do not agree on the potential impact of this missense change (SIFT: "Deleterious"; PolyPhen-2: "Benign"; Align-GVGD: "Class C65"). This variant has not been reported in the literature in individuals affected with IQCB1-related conditions.

NM_001023570.4(IQCB1):c.635A>G (p.Asp212Gly)

Gene: IQCB1 (IQ motif containing B1; minus strand). Cytogenetic location: 3q13.33.
Variant type: single nucleotide variant.
Coding change: c.635A>G on transcript NM_001023570.4 (MANE Select); coding-DNA position 635, A replaced by G.
Protein change: p.Asp212Gly; replaces aspartic acid 212 with glycine.
Molecular consequence: missense variant. On other transcripts: non-coding transcript variant (1), intron variant (1).
Genome position (GRCh38, 1-based): chr3:121,799,327, T>C on the plus strand (A>G on the coding strand, the complement: IQCB1 is on the minus strand). VCF-style: chr3-121799327-T-C. GRCh37 (hg19) VCF-style: chr3-121518174-T-C.
Other names: c.635A>G, p.Asp212Gly (NM_001319107.2); c.587+8017A>G (NM_001023571.4); short protein forms D212G.
Identifiers: ClinVar variation 2076849 (VCV002076849.4), dbSNP rs2472432956, ClinGen allele CA354101991.